The following is an entry in ClinVar:

NM_206933.4(USH2A):c.14134-2A>T

Gene: USH2A (usherin; minus strand). Cytogenetic location: 1q41.
Variant type: single nucleotide variant.
Coding change: c.14134-2A>T on transcript NM_206933.4 (MANE Select); the canonical splice acceptor site of the intron before coding-DNA position 14134, A replaced by T.
Molecular consequence: splice acceptor variant.
Genome position (GRCh38, 1-based): chr1:215,650,803, T>A on the plus strand (A>T on the coding strand, the complement: USH2A is on the minus strand). VCF-style: chr1-215650803-T-A. GRCh37 (hg19) VCF-style: chr1-215824145-T-A.
Identifiers: ClinVar variation 4062574 (VCV004062574.2).

ClinVar aggregate classification (germline): Likely pathogenic (1 of 4 stars; one submission).

Conditions:
Usher syndrome type 2A. Also called: RETINAL DISEASE IN USHER SYNDROME TYPE IIA, MODIFIER OF; USHER SYNDROME, TYPE IIA. Identifiers: Orphanet 231178, Orphanet 886, MedGen C1848634, MONDO:0010169, OMIM 276901.

Submission:

Natera, Inc.
Classification: Likely pathogenic for Usher syndrome type 2A. Last evaluated: 2025-05-12. Review status: criteria provided, single submitter. Criteria: Natera Variant Classification Schema (03/2026). Collection method: clinical testing. Allele origin: germline.
Comment: The c.14134-2A>T variant in USH2A is a canonical splice acceptor site variant predicted to affect pre-mRNA splicing, which may result in an abnormal transcript and altered protein product. This variant is expected to result in nonsense mediated decay, truncation, or a dysfunctional protein product. This variant is rare in the general population with a frequency below the threshold expected for the associated phenotype(s). Given the available evidence, this variant is classified as Likely Pathogenic.